The following is an entry in ClinVar:

ClinVar aggregate classification (germline): Pathogenic (1 of 4 stars; one submission).

Conditions:
Hereditary breast ovarian cancer syndrome. Also called: Hereditary breast and ovarian cancer syndrome (HBOC); Hereditary breast and ovarian cancer syndrome; Breast and ovarian cancer; Hereditary breast and/or ovarian cancer syndrome; Hereditary breast and ovarian cancer; BRCA1- and BRCA2-Associated Hereditary Breast and Ovarian Cancer. Identifiers: Orphanet 145, MedGen C0677776, MeSH D061325, MONDO:0003582. Disease mechanism: loss of function.

Submission:

Labcorp Genetics (formerly Invitae), Labcorp
Classification: Pathogenic for Hereditary breast ovarian cancer syndrome. Last evaluated: 2017-07-27. Review status: criteria provided, single submitter. Criteria: Invitae Variant Classification Sherloc (09022015). Collection method: clinical testing. Allele origin: germline.
Comment: This variant is an in-frame deletion of the genomic region encompassing exons 10-14 of the BRCA1 gene. It preserves the integrity of the reading frame. Deletion of exons 10-14 in BRCA1 has been reported in two families with hereditary breast and/or ovarian cancers (PMID: 22460208, 16793929). It is also known as deletion of exons 11-15 and c.671-?_4675+?del in the literature. The gross deletion of exons 10-14 of the BRCA1 gene removes 1335 amino acids located in important functional domains of the BRCA1 protein that are required for proper function of the BRCA1 protein as well as the interactions with RAD50, RAD51 and PALB2 (PMID: 25652403). For these reasons, this variant has been classified as Pathogenic.

NC_000017.11:g.(?_43074325)_(43094866_?)del

Genes: BRCA1 (BRCA1 DNA repair associated; minus strand), LOC126862571 (BRD4-independent group 4 enhancer GRCh37_chr17:41243136-41244335; plus strand). Cytogenetic location: 17q21.31.
Variant type: Deletion.
Identifiers: ClinVar variation 462197 (VCV000462197.1).